The following is an entry in ClinVar:

ClinVar aggregate classification (germline): Uncertain significance. Review status: criteria provided, multiple submitters, no conflicts (2 of 4 stars). 2 submissions from 2 submitters: Uncertain significance (2). Last evaluated 2026-02-04.

Conditions:
Centromeric instability of chromosomes 1,9 and 16 and immunodeficiency (ICF1). Also called: CENTROMERIC INSTABILITY, IMMUNODEFICIENCY SYNDROME; IMMUNE DEFICIENCY, VARIABLE, WITH CENTROMERIC INSTABILITY OF CHROMOSOMES 1, 9, AND 16; IMMUNODEFICIENCY SYNDROME, VARIABLE; Immunodeficiency-centromeric instability-facial anomalies. Identifiers: Orphanet 2268, MedGen C0398788, MONDO:0000133.

Allele frequency attached by ClinVar (database versions not stated): gnomAD exomes 0.00001; TOPMed below 0.00001.
gnomAD v4.1: 6 of 1,614,232 alleles (0.00037%); highest among the groups gnomAD compares: Admixed American, 0.0083%; no homozygotes.

Submissions (2):

Dasa
Classification: Uncertain significance. Last evaluated: 2026-02-04. Review status: criteria provided, single submitter. Criteria: DASA Assertion Criteria. Collection method: clinical testing. Allele origin: germline.
Comment: NM_006892.4(DNMT3B):c.1626G>C (p.Trp542Cys) is a missense variant that results in the substitution of tryptophan with cysteine. This variant is rare in population databases. Computational prediction algorithms are consistent with a deleterious effect. The currently available literature and clinical evidence are not sufficient to establish a definitive association between this variant and the reported condition. Therefore, this variant is classified as a variant of uncertain significance.

Labcorp Genetics (formerly Invitae), Labcorp
Classification: Uncertain significance for Centromeric instability of chromosomes 1,9 and 16 and immunodeficiency. Last evaluated: 2022-05-06. Review status: criteria provided, single submitter. Criteria: Invitae Variant Classification Sherloc (09022015). Collection method: clinical testing. Allele origin: germline.
Comment: This sequence change replaces tryptophan, which is neutral and slightly polar, with cysteine, which is neutral and slightly polar, at codon 542 of the DNMT3B protein (p.Trp542Cys). This variant is present in population databases (no rsID available, gnomAD 0.01%). This variant has not been reported in the literature in individuals affected with DNMT3B-related conditions. Algorithms developed to predict the effect of missense changes on protein structure and function (SIFT, PolyPhen-2, Align-GVGD) all suggest that this variant is likely to be disruptive. In summary, the available evidence is currently insufficient to determine the role of this variant in disease. Therefore, it has been classified as a Variant of Uncertain Significance.

NM_006892.4(DNMT3B):c.1626G>C (p.Trp542Cys)

Genes: DNMT3B (DNA methyltransferase 3 beta; plus strand), LOC126863014 (CDK7 strongly-dependent group 2 enhancer GRCh37_chr20:31385992-31387191; plus strand). Cytogenetic location: 20q11.21.
Variant type: single nucleotide variant.
Coding change: c.1626G>C on transcript NM_006892.4 (MANE Select); coding-DNA position 1626, G replaced by C.
Protein change: p.Trp542Cys; replaces tryptophan 542 with cysteine.
Molecular consequence: missense variant.
Genome position (GRCh38, 1-based): chr20:32,798,595, G>C. VCF-style: chr20-32798595-G-C. GRCh37 (hg19) VCF-style: chr20-31386401-G-C.
Other names: c.1440G>C, p.Trp480Cys (NM_001207055.2); c.1338G>C, p.Trp446Cys (NM_001207056.2); c.1566G>C, p.Trp522Cys (NM_175848.2, NM_175849.2); c.1602G>C, p.Trp534Cys (NM_175850.3); short protein forms W542C, W480C, W446C, W522C, W534C.
Identifiers: ClinVar variation 2154430 (VCV002154430.3), dbSNP rs1227641097, ClinGen allele CA408587191.